The following is an entry in ClinVar:

ClinVar aggregate classification (germline): Likely benign (1 of 4 stars; one submission).

Conditions:
PEX13-related disorder. Also called: PEX13-related condition; PEX13-related disorders.

Submission:

PreventionGenetics, part of Exact Sciences
Classification: Likely benign for PEX13-related condition. Last evaluated: 2026-02-05. Review status: criteria provided, single submitter. Criteria: ACMG Guidelines, 2015. Collection method: clinical testing. Allele origin: germline.
Comment: This variant is classified as likely benign based on ACMG/AMP sequence variant interpretation guidelines (Richards et al. 2015 PMID: 25741868, with internal and published modifications).

NM_002618.4(PEX13):c.747C>T (p.Leu249=)

Gene: PEX13 (peroxisomal biogenesis factor 13; plus strand). Cytogenetic location: 2p15.
Variant type: single nucleotide variant.
Coding change: c.747C>T on transcript NM_002618.4 (MANE Select); coding-DNA position 747, C replaced by T.
Protein change: p.Leu249=; no amino-acid change (leucine 249 retained).
Molecular consequence: synonymous variant.
Genome position (GRCh38, 1-based): chr2:61,032,073, C>T. VCF-style: chr2-61032073-C-T. GRCh37 (hg19) VCF-style: chr2-61259208-C-T.
Identifiers: ClinVar variation 4995857 (VCV004995857.1).
Genomic context (GRCh38, chr2:61,032,073, plus strand): 5'-CTCAGCAAAATCTTGGCCAATATTCTTGTTCTTTGCTGTTATCCTTGGTGGTCCTTACCT[C>T]ATTTGGAAACTATTGTCTACTCACAGTGATGAAGTAACAGGTAAGAGAACTGTAAGGGAA-3'
Protein context (NP_002609.1, residues 239-259): FFAVILGGPY[Leu249=]IWKLLSTHSD